The following is an entry in ClinVar:

ClinVar aggregate classification (germline): Likely benign. Review status: criteria provided, single submitter (1 of 4 stars). 5 submissions from 5 submitters: Likely benign (1). 4 of the submissions do not count toward it. Last evaluated 2025-12-23.

Conditions:
Pontocerebellar hypoplasia type 1A (PCH1A). Also called: PONTOCEREBELLAR HYPOPLASIA WITH ANTERIOR HORN CELL DISEASE; PONTOCEREBELLAR HYPOPLASIA WITH INFANTILE SPINAL MUSCULAR ATROPHY. Identifiers: Orphanet 2254, Orphanet 88616, MedGen C1843504, MONDO:0011866, OMIM 607596.
VRK1-related disorder. Also called: VRK1-related condition.

Allele frequency attached by ClinVar (database versions not stated): ExAC 0.00005; gnomAD exomes 0.00006 and 0.00007; TOPMed 0.00011; gnomAD 0.00015 and 0.00016; 1000 Genomes Project 30x 0.00016; 1000 Genomes Project 0.00020.
gnomAD v4.1: 119 of 1,612,514 alleles (0.0074%); highest among the groups gnomAD compares: Admixed American, 0.048%; no homozygotes.

Submissions (5):

Labcorp Genetics (formerly Invitae), Labcorp
Classification: Likely benign for Pontocerebellar hypoplasia type 1A. Last evaluated: 2025-12-23. Review status: criteria provided, single submitter. Criteria: Invitae Variant Classification Sherloc (09022015). Collection method: clinical testing. Allele origin: germline.

Natera, Inc.
Classification: Likely benign for Pontocerebellar hypoplasia, type 1a. Last evaluated: 2020-02-13. Review status: no assertion criteria provided. Collection method: clinical testing. Allele origin: germline. Not counted in ClinVar's aggregate classification.

PreventionGenetics, part of Exact Sciences
Classification: Likely benign for VRK1-related condition. Last evaluated: 2019-07-15. Review status: no assertion criteria provided. Collection method: clinical testing. Allele origin: germline. Not counted in ClinVar's aggregate classification.
Comment: This variant is classified as likely benign based on ACMG/AMP sequence variant interpretation guidelines (Richards et al. 2015 PMID: 25741868, with internal and published modifications).

Clinical Genetics DNA and cytogenetics Diagnostics Lab, Erasmus MC, Erasmus Medical Center
Classification: Likely benign. Review status: no assertion criteria provided. Collection method: clinical testing. Allele origin: germline. Affected: yes. Study: VKGL Data-share Consensus. Not counted in ClinVar's aggregate classification.

Clinical Genetics, Academic Medical Center
Classification: Likely benign. Review status: no assertion criteria provided. Collection method: clinical testing. Allele origin: germline. Affected: yes. Study: VKGL Data-share Consensus. Not counted in ClinVar's aggregate classification.

NM_003384.3(VRK1):c.906C>T (p.Tyr302=)

Gene: VRK1 (VRK serine/threonine kinase 1; plus strand). Cytogenetic location: 14q32.2.
Variant type: single nucleotide variant.
Coding change: c.906C>T on transcript NM_003384.3 (MANE Select); coding-DNA position 906, C replaced by T.
Protein change: p.Tyr302=; no amino-acid change (tyrosine 302 retained).
Molecular consequence: synonymous variant.
Genome position (GRCh38, 1-based): chr14:96,860,573, C>T. VCF-style: chr14-96860573-C-T. GRCh37 (hg19) VCF-style: chr14-97326910-C-T.
Identifiers: ClinVar variation 705293 (VCV000705293.17), dbSNP rs528346065, ClinGen allele CA7339128.
Genomic context (GRCh38, chr14:96,860,573, plus strand): 5'-AGAAATATATTGAAAGTTATAAAATGATTGTGTTATTCTTTTAGGTGAAATTGCCAAATA[C>T]ATGGAAACAGTGAAATTACTAGACTACACTGAAAAACCTCTTTATGAAAATTTACGTGAC-3'
Protein context (NP_003375.1, residues 292-312): EKNKPGEIAK[Tyr302=]METVKLLDYT